The following is an entry in ClinVar:

ClinVar aggregate classification (germline): Uncertain significance (1 of 4 stars; one submission).

gnomAD v4.1: 1 of 1,612,806 alleles (0.000062%); highest among the groups gnomAD compares: African/African-American, 0.0013%; no homozygotes.

Submission:

Labcorp Genetics (formerly Invitae), Labcorp
Classification: Uncertain significance. Last evaluated: 2021-09-26. Review status: criteria provided, single submitter. Criteria: Invitae Variant Classification Sherloc (09022015). Collection method: clinical testing. Allele origin: germline.
Comment: This sequence change replaces valine with alanine at codon 1543 of the TTC37 protein (p.Val1543Ala). The valine residue is weakly conserved and there is a small physicochemical difference between valine and alanine. This variant is not present in population databases (ExAC no frequency). This variant has not been reported in the literature in individuals affected with TTC37-related conditions. Algorithms developed to predict the effect of missense changes on protein structure and function are either unavailable or do not agree on the potential impact of this missense change (SIFT: "Deleterious"; PolyPhen-2: "Benign"; Align-GVGD: "Class C0"). In summary, the available evidence is currently insufficient to determine the role of this variant in disease. Therefore, it has been classified as a Variant of Uncertain Significance.

NM_014639.4(SKIC3):c.4628T>C (p.Val1543Ala)

Gene: SKIC3 (SKI3 subunit of superkiller complex; minus strand). Cytogenetic location: 5q15.
Variant type: single nucleotide variant.
Coding change: c.4628T>C on transcript NM_014639.4 (MANE Select); coding-DNA position 4628, T replaced by C.
Protein change: p.Val1543Ala; replaces valine 1543 with alanine.
Molecular consequence: missense variant.
Genome position (GRCh38, 1-based): chr5:95,464,674, A>G on the plus strand (T>C on the coding strand, the complement: SKIC3 is on the minus strand). VCF-style: chr5-95464674-A-G. GRCh37 (hg19) VCF-style: chr5-94800378-A-G.
Other names: short protein forms V1543A.
Identifiers: ClinVar variation 1477638 (VCV001477638.3), dbSNP rs930946111, ClinGen allele CA360456926.
Genomic context (GRCh38, chr5:95,464,674, plus strand): 5'-GAGGACAATCTCTGATTCAGTTCCAATGCTCTTGTATCTCCATGAGTTTTGGCATTGTTT[A>G]CCAGCACCTATGGGAAATCACATACAGGAACGTCAGTATTTTGTTTATTAACAATATCTA-3'
Protein context (NP_055454.1, residues 1533-1553): KDDYELIDVL[Val1543Ala]NNAKTHGDTR